The following is an entry in ClinVar:

NM_016194.4(GNB5):c.1177-1G>T

Gene: GNB5 (G protein subunit beta 5; minus strand). Cytogenetic location: 15q21.2.
Variant type: single nucleotide variant.
Coding change: c.1177-1G>T on transcript NM_016194.4 (MANE Select); the canonical splice acceptor site of the intron before coding-DNA position 1177, G replaced by T.
Molecular consequence: splice acceptor variant.
Genome position (GRCh38, 1-based): chr15:52,122,769, C>A on the plus strand (G>T on the coding strand, the complement: GNB5 is on the minus strand). VCF-style: chr15-52122769-C-A. GRCh37 (hg19) VCF-style: chr15-52414966-C-A.
Other names: c.1051-1G>T (NM_006578.4); c.895-1G>T (NM_001379343.1).
Identifiers: ClinVar variation 3385341 (VCV003385341.2).

ClinVar aggregate classification (germline): Uncertain significance (1 of 4 stars; one submission).

Conditions:
Lodder-Merla syndrome, type 1, with impaired intellectual development and cardiac arrhythmia. Also called: Gnb5-related intellectual disability-cardiac arrhythmia syndrome; Intellectual developmental disorder with cardiac arrhythmia. Identifiers: Orphanet 542306, MedGen C5568877, MONDO:0014953, OMIM 617173.

Submission:

Neurogenetics Team, Indira Gandhi Institute of Child Health
Classification: Uncertain significance for Lodder-Merla syndrome, type 1, with impaired intellectual development and cardiac arrhythmia. Last evaluated: 2024-10-16. Review status: criteria provided, single submitter. Criteria: ACMG Guidelines, 2015. Collection method: clinical testing. Allele origin: biparental. Inheritance: Autosomal recessive inheritance. Affected: yes. Observed: 1 homozygote.
Comment: The variation identified c.1177-1G>T is a novel one, the variant is absent in population databases like gnomAD v2.1.1 (PM2). The variant identified is a null variant and is identified in a gene where loss of function a known mechanism of disease causation (PVS1). No functional studies were done.